The following is an entry in ClinVar:

ClinVar aggregate classification (germline): Uncertain significance (1 of 4 stars; one submission).

Conditions:
Neuropathy, hereditary sensory and autonomic, type 2A (HSAN2A). Also called: ACROOSTEOLYSIS, GIACCAI TYPE; ACROOSTEOLYSIS, NEUROGENIC; MORVAN DISEASE; NEUROPATHY, CONGENITAL SENSORY; NEUROPATHY, HEREDITARY SENSORY RADICULAR, AUTOSOMAL RECESSIVE; NEUROPATHY, HEREDITARY SENSORY, TYPE IIA. Identifiers: Orphanet 970, MedGen C2752089, MONDO:0024309, OMIM 201300.
Pseudohypoaldosteronism type 2C (PHA2C). Also called: Pseudohypoaldosteronism Type IIC. Identifiers: Orphanet 757, Orphanet 88940, MedGen C1840391, MONDO:0013778, OMIM 614492.

Submission:

Labcorp Genetics (formerly Invitae), Labcorp
Classification: Uncertain significance for Neuropathy, hereditary sensory and autonomic, type 2A; Pseudohypoaldosteronism type 2C. Last evaluated: 2022-11-01. Review status: criteria provided, single submitter. Criteria: Invitae Variant Classification Sherloc (09022015). Collection method: clinical testing. Allele origin: germline.
Comment: Advanced modeling of protein sequence and biophysical properties (such as structural, functional, and spatial information, amino acid conservation, physicochemical variation, residue mobility, and thermodynamic stability) performed at Invitae indicates that this missense variant is not expected to disrupt WNK1 protein function. This sequence change replaces threonine, which is neutral and polar, with serine, which is neutral and polar, at codon 1155 of the WNK1 protein (p.Thr1155Ser). This variant is not present in population databases (gnomAD no frequency). This variant has not been reported in the literature in individuals affected with WNK1-related conditions. In summary, the available evidence is currently insufficient to determine the role of this variant in disease. Therefore, it has been classified as a Variant of Uncertain Significance.

NM_213655.5(WNK1):c.3463A>T (p.Thr1155Ser)

Gene: WNK1 (WNK lysine deficient protein kinase 1; plus strand). Cytogenetic location: 12p13.33.
Variant type: single nucleotide variant.
Coding change: c.3463A>T on transcript NM_213655.5 (MANE Plus Clinical); coding-DNA position 3463, A replaced by T.
Protein change: p.Thr1155Ser; replaces threonine 1155 with serine.
Molecular consequence: missense variant. On other transcripts: intron variant (2).
Genome position (GRCh38, 1-based): chr12:868,934, A>T. VCF-style: chr12-868934-A-T. GRCh37 (hg19) VCF-style: chr12-978100-A-T.
Other names: c.3208A>T, p.Thr1070Ser (NM_001184985.2); c.2140-2331A>T (NM_018979.4, NM_014823.3); short protein forms T1070S, T1155S.
Identifiers: ClinVar variation 2941200 (VCV002941200.3), dbSNP rs1951910427, ClinGen allele CA383342157.